The following is an entry in ClinVar:

ClinVar aggregate classification (germline): Conflicting classifications of pathogenicity. Review status: criteria provided, conflicting classifications (1 of 4 stars). 6 submissions from 6 submitters: Uncertain significance (1); Likely benign (4). 1 of the submissions does not count toward it. Last evaluated 2026-01-31.

Conditions:
Inborn genetic diseases. Identifiers: MedGen C0950123, MeSH D030342.
CPLANE1-related disorder. Also called: CPLANE1-related condition.

Allele frequency attached by ClinVar (database versions not stated): gnomAD exomes 0.00006 and 0.00028; 1000 Genomes Project 30x 0.00016; 1000 Genomes Project 0.00020; ExAC 0.00032; gnomAD 0.00081 and 0.00093; TOPMed 0.00093; ESP Exome Variant Server 0.00138.
gnomAD v4.1: 222 of 1,604,360 alleles (0.014%); highest among the groups gnomAD compares: African/African-American, 0.27%; 1 homozygote.

Submissions (6):

Labcorp Genetics (formerly Invitae), Labcorp
Classification: Likely benign. Last evaluated: 2026-01-31. Review status: criteria provided, single submitter. Criteria: Invitae Variant Classification Sherloc (09022015). Collection method: clinical testing. Allele origin: germline.

Blueprint Genetics
Classification: Likely benign. Last evaluated: 2023-09-04. Review status: criteria provided, single submitter. Criteria: ACMG Guidelines, 2015. Collection method: clinical testing. Allele origin: germline.

Ambry Genetics
Classification: Likely benign for Inborn genetic diseases. Last evaluated: 2021-05-25. Review status: criteria provided, single submitter. Criteria: Ambry Variant Classification Scheme 2023. Collection method: clinical testing. Allele origin: germline.

GeneDx
Classification: Likely benign. Last evaluated: 2020-11-09. Review status: criteria provided, single submitter. Criteria: GeneDx Variant Classification Process June 2021. Collection method: clinical testing. Allele origin: germline. Affected: yes.

Revvity Omics, Revvity
Classification: Uncertain significance. Last evaluated: 2019-01-16. Review status: criteria provided, single submitter. Criteria: ACMG Guidelines, 2015. Collection method: clinical testing. Allele origin: germline.

PreventionGenetics, part of Exact Sciences
Classification: Likely benign for CPLANE1-related condition. Last evaluated: 2024-07-16. Review status: no assertion criteria provided. Collection method: clinical testing. Allele origin: germline. Not counted in ClinVar's aggregate classification.
Comment: This variant is classified as likely benign based on ACMG/AMP sequence variant interpretation guidelines (Richards et al. 2015 PMID: 25741868, with internal and published modifications).

NM_001384732.1(CPLANE1):c.7408A>G (p.Arg2470Gly)

Gene: CPLANE1 (ciliogenesis and planar polarity effector complex subunit 1; minus strand). Cytogenetic location: 5p13.2.
Variant type: single nucleotide variant.
Coding change: c.7408A>G on transcript NM_001384732.1 (MANE Select); coding-DNA position 7408, A replaced by G.
Protein change: p.Arg2470Gly; replaces arginine 2470 with glycine.
Molecular consequence: missense variant.
Genome position (GRCh38, 1-based): chr5:37,165,664, T>C on the plus strand (A>G on the coding strand, the complement: CPLANE1 is on the minus strand). VCF-style: chr5-37165664-T-C. GRCh37 (hg19) VCF-style: chr5-37165766-T-C.
Other names: c.7408A>G, p.Arg2470Gly (NM_023073.4); short protein forms R2470G.
Identifiers: ClinVar variation 707689 (VCV000707689.17), dbSNP rs144391535, ClinGen allele CA3238061.